The following is an entry in ClinVar:

NM_001122955.4(BSCL2):c.1073G>A (p.Gly358Glu)

Genes: BSCL2 (BSCL2 lipid droplet biogenesis associated, seipin; minus strand), HNRNPUL2-BSCL2 (HNRNPUL2-BSCL2 readthrough (NMD candidate); minus strand). Cytogenetic location: 11q12.3.
Variant type: single nucleotide variant.
Coding change: c.1073G>A on transcript NM_001122955.4 (MANE Select); coding-DNA position 1073, G replaced by A.
Protein change: p.Gly358Glu; replaces glycine 358 with glutamic acid.
Molecular consequence: missense variant. On other transcripts: non-coding transcript variant (1).
Genome position (GRCh38, 1-based): chr11:62,690,867, C>T on the plus strand (G>A on the coding strand, the complement: BSCL2 is on the minus strand). VCF-style: chr11-62690867-C-T. GRCh37 (hg19) VCF-style: chr11-62458339-C-T.
Other names: c.739G>A, p.Gly247Ser (NM_001130702.2); c.1079G>A, p.Gly360Glu (NM_001386027.1); c.1073G>A, p.Gly358Glu (NM_001386028.1); c.881G>A, p.Gly294Glu (NM_032667.6); short protein forms G247S, G294E, G358E, G360E.
Identifiers: ClinVar variation 3067661 (VCV003067661.22), dbSNP rs1000536287, ClinGen allele CA380957435.

ClinVar aggregate classification (germline): Uncertain significance. Review status: criteria provided, multiple submitters, no conflicts (2 of 4 stars). 2 submissions from 2 submitters: Uncertain significance (2). Last evaluated 2025-08-21.

Conditions:
Inborn genetic diseases. Identifiers: MedGen C0950123, MeSH D030342.

Submissions (2):

Ambry Genetics
Classification: Uncertain significance for Inborn genetic diseases. Last evaluated: 2025-08-21. Review status: criteria provided, single submitter. Criteria: Ambry Variant Classification Scheme 2023. Collection method: clinical testing. Allele origin: germline.

CeGaT Center for Human Genetics Tuebingen
Classification: Uncertain significance. Last evaluated: 2024-03-01. Review status: criteria provided, single submitter. Criteria: CeGaT Center For Human Genetics Tuebingen Variant Classification Criteria Version 2. Collection method: clinical testing. Allele origin: germline. Affected: yes. Observed: 1 variant allele.
Comment: BSCL2: PM2, BP4